The following is an entry in ClinVar:

NM_000426.4(LAMA2):c.991A>T (p.Arg331Ter)

Gene: LAMA2 (laminin subunit alpha 2; plus strand). Cytogenetic location: 6q22.33.
Variant type: single nucleotide variant.
Coding change: c.991A>T on transcript NM_000426.4 (MANE Select); coding-DNA position 991, A replaced by T.
Protein change: p.Arg331Ter; replaces arginine 331 with a stop codon.
Molecular consequence: nonsense.
Genome position (GRCh38, 1-based): chr6:129,149,060, A>T. VCF-style: chr6-129149060-A-T. GRCh37 (hg19) VCF-style: chr6-129470205-A-T.
Other names: c.991A>T, p.Arg331Ter (NM_001079823.2); short protein forms R331*.
Identifiers: ClinVar variation 1452594 (VCV001452594.8), dbSNP rs1457748796, ClinGen allele CA365606664.

ClinVar aggregate classification (germline): Pathogenic (1 of 4 stars; one submission).

Conditions:
LAMA2-related muscular dystrophy (LAMA2-RD). Also called: Laminin alpha 2-related dystrophy. Identifiers: MedGen C5679788, MONDO:0100228.

Allele frequency attached by ClinVar (database versions not stated): gnomAD exomes below 0.00001.
gnomAD v4.1: 1 of 1,612,618 alleles (0.000062%); highest among the groups gnomAD compares: Non-Finnish European, 0.000085%; no homozygotes.

Submission:

Labcorp Genetics (formerly Invitae), Labcorp
Classification: Pathogenic for LAMA2-related muscular dystrophy. Last evaluated: 2024-01-04. Review status: criteria provided, single submitter. Criteria: Invitae Variant Classification Sherloc (09022015). Collection method: clinical testing. Allele origin: germline.
Comment: This sequence change creates a premature translational stop signal (p.Arg331*) in the LAMA2 gene. It is expected to result in an absent or disrupted protein product. Loss-of-function variants in LAMA2 are known to be pathogenic (PMID: 18700894, 32904964). This variant is present in population databases (no rsID available, gnomAD 0.0009%). This premature translational stop signal has been observed in individual(s) with LAMA2- related muscular dystrophies (PMID: 30055037). ClinVar contains an entry for this variant (Variation ID: 1452594). Algorithms developed to predict the effect of sequence changes on RNA splicing suggest that this variant may disrupt the consensus splice site. For these reasons, this variant has been classified as Pathogenic.

Literature cited by the submitters: PubMed 18700894; PubMed 32904964; PubMed 30055037.